The following is an entry in ClinVar:

NC_000009.11:g.(?_108510334)_(108536361_?)del

Gene: TMEM38B (transmembrane protein 38B; plus strand). Cytogenetic location: 9q31.2.
Variant type: Deletion.
Identifiers: ClinVar variation 3245361 (VCV003245361.1).

ClinVar aggregate classification (germline): Uncertain significance (1 of 4 stars; one submission).

Submission:

Labcorp Genetics (formerly Invitae), Labcorp
Classification: Uncertain significance. Last evaluated: 2022-12-17. Review status: criteria provided, single submitter. Criteria: Invitae Variant Classification Sherloc (09022015). Collection method: clinical testing. Allele origin: unknown.
Comment: In summary, the available evidence is currently insufficient to determine the role of this variant in disease. Therefore, it has been classified as a Variant of Uncertain Significance. Experimental studies and prediction algorithms are not available or were not evaluated, and the functional significance of this variant is currently unknown. This variant has not been reported in the literature in individuals affected with TMEM38B-related conditions. This variant is a gross deletion of the genomic region encompassing exon(s) 5-6 of the TMEM38B gene, which includes the termination codon. This deletion extends beyond the assayed region for this gene and therefore may encompass additional genes. While this deletion is not anticipated to lead to nonsense mediated decay, it is expected to alter mRNA translation or result in a truncated protein product.